The following is an entry in ClinVar:

NM_001195263.2(PDZD7):c.2182dup (p.Leu728fs)

Gene: PDZD7 (PDZ domain containing 7; minus strand). Cytogenetic location: 10q24.31.
Variant type: Duplication.
Coding change: c.2182dup on transcript NM_001195263.2 (MANE Select); coding-DNA position 2182, one base duplicated (C; older notation c.2182dupC).
Protein change: p.Leu728fs; shifts the reading frame from leucine 728.
Molecular consequence: frameshift variant.
Genome position (GRCh38, 1-based): chr10:101,010,707, G duplicated on the plus strand (C on the coding strand, the reverse complement: PDZD7 is on the minus strand); the first of 6 consecutive G bases (chr10:101,010,707-101,010,712); duplicating any one gives the same sequence. VCF-style (leftmost placement, unchanged base first): chr10-101010706-A-AG. GRCh37 (hg19) VCF-style: chr10-102770463-A-AG.
Other names: short protein forms L728fs.
Identifiers: ClinVar variation 3621498 (VCV003621498.3).
Genomic context (GRCh38, chr10:101,010,706, plus strand): 5'-GGCCGCAGGGGCCGGGGAGCCACGGGGGGTAGCTGGGGAGGGGGTGTGCAGGCAATTCGG[A>AG]GGGGGGTGAAGGCATCTACTGGCACGTCTTGTAGAGGGGGGATCCCTTTATGGGGGTGGC-3'

ClinVar aggregate classification (germline): Pathogenic/Likely pathogenic. Review status: criteria provided, multiple submitters, no conflicts (2 of 4 stars). 2 submissions from 2 submitters: Pathogenic (1); Likely pathogenic (1). Last evaluated 2024-10-24.

Conditions:
PDZD7-related disorder. Also called: PDZD7-related condition; PDZD7-related disorders.

Submissions (2):

Blueprint Genetics
Classification: Likely pathogenic for PDZD7-related disorders. Last evaluated: 2024-10-24. Review status: criteria provided, single submitter. Criteria: ACMG Guidelines, 2015. Collection method: clinical testing. Allele origin: germline. Affected: yes. Observed: 5 variant alleles.

Labcorp Genetics (formerly Invitae), Labcorp
Classification: Pathogenic. Last evaluated: 2024-09-29. Review status: criteria provided, single submitter. Criteria: Invitae Variant Classification Sherloc (09022015). Collection method: clinical testing. Allele origin: germline.
Comment: This sequence change creates a premature translational stop signal (p.Leu728Profs*22) in the PDZD7 gene. It is expected to result in an absent or disrupted protein product. Loss-of-function variants in PDZD7 are known to be pathogenic (PMID: 20440071). This variant is present in population databases (no rsID available, gnomAD 0.4%). This variant has not been reported in the literature in individuals affected with PDZD7-related conditions. For these reasons, this variant has been classified as Pathogenic.

Literature cited by the submitters: PubMed 20440071 (cited by Labcorp Genetics (formerly Invitae), Labcorp).